The following is an entry in ClinVar:

NM_000512.5(GALNS):c.-42G>T

Genes: GALNS (galactosamine (N-acetyl)-6-sulfatase; minus strand), TRAPPC2L (trafficking protein particle complex subunit 2L; plus strand), LOC130059762 (ATAC-STARR-seq lymphoblastoid silent region 7883; plus strand). Cytogenetic location: 16q24.3.
Variant type: single nucleotide variant.
Coding change: c.-42G>T on transcript NM_000512.5 (MANE Select); 42 bases upstream of the start codon, G replaced by T.
Molecular consequence: 5 prime UTR variant.
Genome position (GRCh38, 1-based): chr16:88,856,919, C>A on the plus strand (G>T on the coding strand, the complement: GALNS is on the minus strand). VCF-style: chr16-88856919-C-A. GRCh37 (hg19) VCF-style: chr16-88923327-C-A.
Other names: c.-473G>T (NM_001323543.2); c.-194G>T (NM_001323544.2).
Identifiers: ClinVar variation 1048175 (VCV001048175.4), dbSNP rs1433642862, ClinGen allele CA980347587.

ClinVar aggregate classification (germline): Uncertain significance. Review status: criteria provided, multiple submitters, no conflicts (2 of 4 stars). 2 submissions from 2 submitters: Uncertain significance (2). Last evaluated 2021-02-01.

Conditions:
Mucopolysaccharidosis, MPS-IV-A (MPS4A). Also called: Mucopolysaccharidosis type IV A; Mucopolysaccharidosis Type IVA; Morquio syndrome A, mild; MORQUIO SYNDROME A; MPS IVA; mucopolysaccharidosis type 4A. Identifiers: Orphanet 309297, Orphanet 582, MedGen C0086651, MONDO:0009659, OMIM 253000.

gnomAD v4.1: 10 of 1,486,070 alleles (0.00067%); highest among the groups gnomAD compares: Admixed American, 0.0046%; no homozygotes.

Submissions (2):

Laboratory of Diagnosis and Therapy of Lysosomal Disorders, University of Padova
Classification: Uncertain significance for Mucopolysaccharidosis, MPS-IV-A. Last evaluated: 2021-02-01. Review status: criteria provided, single submitter. Criteria: ACMG Guidelines, 2015. Collection method: research. Allele origin: germline. Affected: yes.
Comment: Very low frequency in gnomAD v2.1.1 (PM2_moderate)

Breakthrough Genomics
Classification: Uncertain significance. Review status: criteria provided, single submitter. Criteria: ACMG Guidelines, 2015. Collection method: not provided. Allele origin: germline. Inheritance: Autosomal recessive inheritance. Affected: yes.

Literature cited by the submitters: PubMed 34387910 (cited by Laboratory of Diagnosis and Therapy of Lysosomal Disorders, University of Padova).